The following is an entry in ClinVar:

ClinVar aggregate classification (germline): Uncertain significance. Review status: criteria provided, multiple submitters, no conflicts (2 of 4 stars). 3 submissions from 3 submitters: Uncertain significance (3). Last evaluated 2025-08-12.

Conditions:
Inborn genetic diseases. Identifiers: MedGen C0950123, MeSH D030342.

Allele frequency attached by ClinVar (database versions not stated): TOPMed 0.00003; ExAC 0.00005; 1000 Genomes Project 30x 0.00016; 1000 Genomes Project 0.00020.
gnomAD v4.1: 58 of 1,613,356 alleles (0.0036%); highest among the groups gnomAD compares: South Asian, 0.044%; no homozygotes.

Submissions (3):

Ambry Genetics
Classification: Uncertain significance for Inborn genetic diseases. Last evaluated: 2025-08-12. Review status: criteria provided, single submitter. Criteria: Ambry Variant Classification Scheme 2023. Collection method: clinical testing. Allele origin: germline.

Blueprint Genetics
Classification: Uncertain significance. Last evaluated: 2023-06-13. Review status: criteria provided, single submitter. Criteria: ACMG Guidelines, 2015. Collection method: clinical testing. Allele origin: germline.

Labcorp Genetics (formerly Invitae), Labcorp
Classification: Uncertain significance. Last evaluated: 2022-10-17. Review status: criteria provided, single submitter. Criteria: Invitae Variant Classification Sherloc (09022015). Collection method: clinical testing. Allele origin: germline.
Comment: In summary, the available evidence is currently insufficient to determine the role of this variant in disease. Therefore, it has been classified as a Variant of Uncertain Significance. Advanced modeling of protein sequence and biophysical properties (such as structural, functional, and spatial information, amino acid conservation, physicochemical variation, residue mobility, and thermodynamic stability) has been performed at Invitae for this missense variant, however the output from this modeling did not meet the statistical confidence thresholds required to predict the impact of this variant on TTLL5 protein function. ClinVar contains an entry for this variant (Variation ID: 847567). This variant has not been reported in the literature in individuals affected with TTLL5-related conditions. This variant is present in population databases (rs534989089, gnomAD 0.05%). This sequence change replaces arginine, which is basic and polar, with cysteine, which is neutral and slightly polar, at codon 343 of the TTLL5 protein (p.Arg343Cys).

NM_015072.5(TTLL5):c.1027C>T (p.Arg343Cys)

Gene: TTLL5 (tubulin tyrosine ligase like 5; plus strand). Cytogenetic location: 14q24.3.
Variant type: single nucleotide variant.
Coding change: c.1027C>T on transcript NM_015072.5 (MANE Select); coding-DNA position 1027, C replaced by T.
Protein change: p.Arg343Cys; replaces arginine 343 with cysteine.
Molecular consequence: missense variant.
Genome position (GRCh38, 1-based): chr14:75,720,688, C>T. VCF-style: chr14-75720688-C-T. GRCh37 (hg19) VCF-style: chr14-76187031-C-T.
Other names: short protein forms R343C.
Identifiers: ClinVar variation 847567 (VCV000847567.11), dbSNP rs534989089, ClinGen allele CA7279192.
Genomic context (GRCh38, chr14:75,720,688, plus strand): 5'-AAGACTATAATCTCTGCTGAACTAGCTATTGCTACTGCCTGTAAAACCTTTGTTCCTCAT[C>T]GCAGCAGTTGTTTTGGTAAGGAGACTCAAGAAGCTTAACATGTTTTGTGAAGAGGATCTT-3'
Protein context (NP_055887.3, residues 333-353): ATACKTFVPH[Arg343Cys]SSCFELYGFD